The following is an entry in ClinVar:

ClinVar aggregate classification (germline): Conflicting classifications of pathogenicity. Review status: criteria provided, conflicting classifications (1 of 4 stars). 3 submissions from 3 submitters: Pathogenic (1); Likely pathogenic (1); Uncertain significance (1). Last evaluated 2026-09-08.

Conditions:
Fabry disease. Also called: Fabry's disease; Angiokeratoma corporis diffusum; ALPHA-GALACTOSIDASE A DEFICIENCY; ANDERSON-FABRY DISEASE; CERAMIDE TRIHEXOSIDASE DEFICIENCY; GLA DEFICIENCY. Identifiers: Orphanet 324, MedGen C0002986, MONDO:0010526, OMIM 301500, HP:0001071. Disease mechanism: Fabry disease is due to inactivating mutations in the X-linked GLA gene resulting in deficiency of the enzyme Alpha Galactosidase-A., loss of function.

Submissions (3):

Genomenon, Inc
Classification: Likely pathogenic for Fabry disease. Last evaluated: 2026-09-08. Review status: criteria provided, single submitter. Criteria: Genomenon Sequence Variant Interpretation Standards - Updated. Collection method: curation. Allele origin: germline. Affected: yes.
Comment: GLA p.Gly128Glu (c.383G>A) is a missense variant that changes the amino acid at codon 128 from Glycine to Glutamic acid. This variant has been observed in at least one proband with clinical features consistent with Fabry disease (PMID:8807334;23430848;23430925;25468650). The variant was found to segregate with disease in at least one affected family (PMID:12512750). Functional or patient cell studies have been reported (PMID:21598360;31036492;18698230;19387866;27657681;23430925). It is absent or not present at a significant frequency in gnomAD. In silico models predict that this variant is possibly or probably damaging. In conclusion, we classify GLA p.Gly128Glu (c.383G>A) as a likely pathogenic variant.

GeneDx
Classification: Uncertain significance. Last evaluated: 2023-05-11. Review status: criteria provided, single submitter. Criteria: GeneDx Variant Classification Process June 2021. Collection method: clinical testing. Allele origin: germline. Affected: yes.
Comment: Identified in males with Fabry disease (Blanch LC et al., 1996; Ghali J et al., 2012); Not observed at significant frequency in large population cohorts (gnomAD); In silico analysis supports that this missense variant has a deleterious effect on protein structure/function; This variant is associated with the following publications: (PMID: 25382311, 8807334, 23430848, 27657681, 21598360, 18698230)

Victorian Clinical Genetics Services, Murdoch Childrens Research Institute
Classification: Pathogenic for Fabry disease. Last evaluated: 2022-02-02. Review status: criteria provided, single submitter. Criteria: ACMG Guidelines, 2015. Collection method: clinical testing. Allele origin: germline. Inheritance: X-linked inheritance.
Comment: Based on the classification scheme VCGS_Germline_v1.3.4, this variant is classified as a Pathogenic. Following criteria are met: 0103 - Loss of function and dominant negative are known mechanisms of disease in this gene and are associated with Fabry disease (MIM#301500). Loss of function is a known mechanism of disease in males. Females can be affected but with variable severity unexplained by skewed X-inactivation (PMID: 31613176), suggested to be due to the dominant negative mechanism of some variants. Truncating variants in the last exon have been reported with a dominant negative mechanism in females. Gain of function has also been suggested; however more evidence is required (PMID: 8878432; PMID: 31613176). (I) 0109 - This gene is associated with X-linked disease. Both males and females have been reported with Fabry disease, though the latter are more rarely reported and tend to have milder disease (OMIM, PMID: 31613176). (I) 0200 - Variant is predicted to result in a missense amino acid change from glycine to glutamic acid. (I) 0251 - This variant is heterozygous. (I) 0301 - Variant is absent from gnomAD (both v2 and v3). (SP) 0501 - Missense variant consistently predicted to be damaging by multiple in silico tools or highly conserved with a major amino acid change. (SP) 0600 - Variant is located in the annotated Alpha galactosidase A domain (NCBI). (I) 0705 - No comparable missense variants have previous evidence for pathogenicity. (I) 0801 - This variant has strong previous evidence of pathogenicity in unrelated individuals. This variant has been reported in multiple individuals with Fabry disease (PMID: 8807334, 18698230, 23430848, 25468650). Among those there are two male individuals reported this variant in cis with p.(His125Leu) (PMID: 26252393). (SP) 1001 - This variant has strong functional evidence supporting abnormal protein function. Functional studies using patients’ fibroblasts showed this variant lead to reduced protein level and enzyme activity (PMID: 18698230, 25468650). (I) Legend: (SP) - Supporting pathogenic, (I) - Information, (SB) - Supporting benign

Literature cited by the submitters: PubMed 8807334 (cited by Genomenon, Inc and Victorian Clinical Genetics Services, Murdoch Childrens Research Institute); PubMed 23430848 (cited by Genomenon, Inc and Victorian Clinical Genetics Services, Murdoch Childrens Research Institute); PubMed 23430925 (cited by Genomenon, Inc); PubMed 25468650 (cited by Genomenon, Inc and Victorian Clinical Genetics Services, Murdoch Childrens Research Institute); PubMed 12512750 (cited by Genomenon, Inc); PubMed 21598360 (cited by Genomenon, Inc); PubMed 31036492 (cited by Genomenon, Inc); PubMed 18698230 (cited by Genomenon, Inc and Victorian Clinical Genetics Services, Murdoch Childrens Research Institute); PubMed 19387866 (cited by Genomenon, Inc); PubMed 27657681 (cited by Genomenon, Inc); PubMed 8878432 (cited by Victorian Clinical Genetics Services, Murdoch Childrens Research Institute); PubMed 26252393 (cited by Victorian Clinical Genetics Services, Murdoch Childrens Research Institute); PubMed 31613176 (cited by Victorian Clinical Genetics Services, Murdoch Childrens Research Institute).

NM_000169.3(GLA):c.383G>A (p.Gly128Glu)

Genes: GLA (galactosidase alpha; minus strand), RPL36A-HNRNPH2 (RPL36A-HNRNPH2 readthrough; plus strand). Cytogenetic location: Xq22.1.
Variant type: single nucleotide variant.
Coding change: c.383G>A on transcript NM_000169.3 (MANE Select); coding-DNA position 383, G replaced by A.
Protein change: p.Gly128Glu; replaces glycine 128 with glutamic acid.
Molecular consequence: missense variant. On other transcripts: non-coding transcript variant (3), intron variant (2).
Genome position (GRCh38, 1-based): chrX:101,401,796, C>T on the plus strand (G>A on the coding strand, the complement: GLA is on the minus strand). VCF-style: chrX-101401796-C-T. GRCh37 (hg19) VCF-style: chrX-100656784-C-T.
Other names: c.506G>A, p.Gly169Glu (NM_001406747.1, NM_001406749.1); c.383G>A, p.Gly128Glu (NM_001406748.1); c.300+6339C>T (NM_001199973.2); c.177+9974C>T (NM_001199974.2); short protein forms G128E, G169E.
Identifiers: ClinVar variation 1805077 (VCV001805077.5), dbSNP rs2520897726, ClinGen allele CA413930789.